The following is an entry in ClinVar:

ClinVar aggregate classification (germline): Benign/Likely benign. Review status: criteria provided, multiple submitters, no conflicts (2 of 4 stars). 2 submissions from 2 submitters: Benign (1); Likely benign (1). Last evaluated 2023-04-01.

Allele frequency attached by ClinVar (database versions not stated): gnomAD 0.00036 and 0.00060; gnomAD exomes 0.00074 and 0.00140; ExAC 0.00245; 1000 Genomes Project 30x 0.00344; 1000 Genomes Project 0.00359.

Submissions (2):

CeGaT Center for Human Genetics Tuebingen
Classification: Likely benign. Last evaluated: 2023-04-01. Review status: criteria provided, single submitter. Criteria: CeGaT Center For Human Genetics Tuebingen Variant Classification Criteria Version 2. Collection method: clinical testing. Allele origin: germline. Affected: yes. Observed: 1 variant allele.
Comment: BTNL3: BP4, BS2

Labcorp Genetics (formerly Invitae), Labcorp
Classification: Benign. Last evaluated: 2018-08-15. Review status: criteria provided, single submitter. Criteria: Invitae Variant Classification Sherloc (09022015). Collection method: clinical testing. Allele origin: germline.

NM_197975.3(BTNL3):c.388C>T (p.Arg130Trp)

Gene: BTNL3 (butyrophilin like 3; plus strand). Cytogenetic location: 5q35.3.
Variant type: single nucleotide variant.
Coding change: c.388C>T on transcript NM_197975.3 (MANE Select); coding-DNA position 388, C replaced by T.
Protein change: p.Arg130Trp; replaces arginine 130 with tryptophan.
Molecular consequence: missense variant.
Genome position (GRCh38, 1-based): chr5:180,993,151, C>T. VCF-style: chr5-180993151-C-T. GRCh37 (hg19) VCF-style: chr5-180420151-C-T.
Other names: short protein forms R130W.
Identifiers: ClinVar variation 738102 (VCV000738102.27), dbSNP rs148701737, ClinGen allele CA3608648.